The following is an entry in ClinVar:

NM_003126.4(SPTA1):c.1350+4A>C

Gene: SPTA1 (spectrin alpha, erythrocytic 1; minus strand). Cytogenetic location: 1q23.1.
Variant type: single nucleotide variant.
Coding change: c.1350+4A>C on transcript NM_003126.4 (MANE Select); 4 bases into the intron after coding-DNA position 1350, A replaced by C.
Molecular consequence: intron variant.
Genome position (GRCh38, 1-based): chr1:158,674,325, T>G on the plus strand (A>C on the coding strand, the complement: SPTA1 is on the minus strand). VCF-style: chr1-158674325-T-G. GRCh37 (hg19) VCF-style: chr1-158644115-T-G.
Identifiers: ClinVar variation 2713749 (VCV002713749.5), dbSNP rs199898126, ClinGen allele CA1183820.

ClinVar aggregate classification (germline): Uncertain significance. Review status: criteria provided, multiple submitters, no conflicts (2 of 4 stars). 2 submissions from 2 submitters: Uncertain significance (2). Last evaluated 2024-06-12.

Allele frequency attached by ClinVar (database versions not stated): gnomAD exomes 0.00005; ExAC 0.00017; gnomAD 0.00043; 1000 Genomes Project 30x 0.00047; TOPMed 0.00047; 1000 Genomes Project 0.00060; ESP Exome Variant Server 0.00092.

Submissions (2):

Labcorp Genetics (formerly Invitae), Labcorp
Classification: Uncertain significance. Last evaluated: 2024-06-12. Review status: criteria provided, single submitter. Criteria: Invitae Variant Classification Sherloc (09022015). Collection method: clinical testing. Allele origin: germline.
Comment: This sequence change falls in intron 10 of the SPTA1 gene. It does not directly change the encoded amino acid sequence of the SPTA1 protein. It affects a nucleotide within the consensus splice site. This variant is present in population databases (rs199898126, gnomAD 0.2%). This variant has not been reported in the literature in individuals affected with SPTA1-related conditions. Variants that disrupt the consensus splice site are a relatively common cause of aberrant splicing (PMID: 17576681, 9536098). Algorithms developed to predict the effect of sequence changes on RNA splicing suggest that this variant is not likely to affect RNA splicing. In summary, the available evidence is currently insufficient to determine the role of this variant in disease. Therefore, it has been classified as a Variant of Uncertain Significance.

ARUP Laboratories, Molecular Genetics and Genomics, ARUP Laboratories
Classification: Uncertain significance. Last evaluated: 2024-01-02. Review status: criteria provided, single submitter. Criteria: ARUP Molecular Germline Variant Investigation Process 2024. Collection method: clinical testing. Allele origin: germline.

Literature cited by the submitters: PubMed 17576681 (cited by Labcorp Genetics (formerly Invitae), Labcorp); PubMed 9536098 (cited by Labcorp Genetics (formerly Invitae), Labcorp).